The following is an entry in ClinVar:

ClinVar aggregate classification (germline): Uncertain significance. Review status: criteria provided, multiple submitters, no conflicts (2 of 4 stars). 2 submissions from 2 submitters: Uncertain significance (2). Last evaluated 2025-12-23.

Conditions:
AKR1C4-related disorder. Also called: AKR1C4-related condition.

gnomAD v4.1: 15 of 1,611,436 alleles (0.00093%); highest among the groups gnomAD compares: African/African-American, 0.0027%; no homozygotes.

Submissions (2):

Labcorp Genetics (formerly Invitae), Labcorp
Classification: Uncertain significance. Last evaluated: 2025-12-23. Review status: criteria provided, single submitter. Criteria: Invitae Variant Classification Sherloc (09022015). Collection method: clinical testing. Allele origin: germline.
Comment: This sequence change creates a premature translational stop signal (p.Arg33*) in the AKR1C4 gene. It is expected to result in an absent or disrupted protein product. However, the current clinical and genetic evidence is not sufficient to establish whether loss-of-function variants in AKR1C4 cause disease. This variant is present in population databases (no rsID available, gnomAD 0.004%). This variant has not been reported in the literature in individuals affected with AKR1C4-related conditions. In summary, the available evidence is currently insufficient to determine the role of this variant in disease. Therefore, it has been classified as a Variant of Uncertain Significance.

PreventionGenetics, part of Exact Sciences
Classification: Uncertain significance for AKR1C4-related condition. Last evaluated: 2025-02-21. Review status: criteria provided, single submitter. Criteria: ACMG Guidelines, 2015. Collection method: clinical testing. Allele origin: germline.
Comment: The AKR1C4 c.97A>T variant is predicted to result in premature protein termination (p.Arg33*). To our knowledge, this variant has not been reported in the literature. This variant is reported in 0.0040% of alleles in individuals of African descent in gnomAD. At this time, there is insufficient clinical and genetic evidence to establish whether loss-of-function variants in AKR1C4 cause disease. The clinical significance of this variant is uncertain.

NM_001818.5(AKR1C4):c.97A>T (p.Arg33Ter)

Gene: AKR1C4 (aldo-keto reductase family 1 member C4; plus strand). Cytogenetic location: 10p15.1.
Variant type: single nucleotide variant.
Coding change: c.97A>T on transcript NM_001818.5 (MANE Select); coding-DNA position 97, A replaced by T.
Protein change: p.Arg33Ter; replaces arginine 33 with a stop codon.
Molecular consequence: nonsense.
Genome position (GRCh38, 1-based): chr10:5,200,193, A>T. VCF-style: chr10-5200193-A-T. GRCh37 (hg19) VCF-style: chr10-5242156-A-T.
Other names: c.97A>T (NM_001818.3); short protein forms R33*.
Identifiers: ClinVar variation 4729872 (VCV004729872.2).
Genomic context (GRCh38, chr10:5,200,193, plus strand): 5'-CTCTCAAGCACATTGATCACCAAATACTACCTTTCGTTGCTCCTTCAGGTTCCGAGGAAC[A>T]GAGCTGTAGAGGTCACCAAATTAGCAATAGAAGCTGGCTTCCGCCATATTGATTCTGCTT-3'